The following is an entry in ClinVar:

NM_000173.7(GP1BA):c.1655T>A (p.Leu552Gln)

Gene: GP1BA (glycoprotein Ib platelet subunit alpha; plus strand). Cytogenetic location: 17p13.2.
Variant type: single nucleotide variant.
Coding change: c.1655T>A on transcript NM_000173.7 (MANE Select); coding-DNA position 1655, T replaced by A.
Protein change: p.Leu552Gln; replaces leucine 552 with glutamine.
Molecular consequence: missense variant.
Genome position (GRCh38, 1-based): chr17:4,934,259, T>A. VCF-style: chr17-4934259-T-A. GRCh37 (hg19) VCF-style: chr17-4837554-T-A.
Other names: c.1655T>A (NM_000173.6); short protein forms L552Q.
Identifiers: ClinVar variation 2572137 (VCV002572137.3), dbSNP rs369516682, ClinGen allele CA8315044.

ClinVar aggregate classification (germline): Uncertain significance. Review status: criteria provided, single submitter (1 of 4 stars). 2 submissions from 2 submitters: Uncertain significance (1). 1 of the submissions does not count toward it.

Conditions:
Bernard Soulier syndrome (BSS). Also called: GLYCOPROTEIN Ib, PLATELET, DEFICIENCY OF; PLATELET GLYCOPROTEIN Ib DEFICIENCY; VON WILLEBRAND FACTOR RECEPTOR DEFICIENCY; Giant platelet syndrome; Hemorrhagiparous thrombocytic dystrophy; Giant platelet disease. Identifiers: Orphanet 274, MedGen C0005129, MeSH D001606, MONDO:0009276, OMIM 231200.
GP1BA-related disorder. Also called: GP1BA-related condition.

Allele frequency attached by ClinVar (database versions not stated): gnomAD 0.00001; gnomAD exomes 0.00001; TOPMed 0.00001; ExAC 0.00002; ESP Exome Variant Server 0.00008.

Submissions (2):

ISTH-SSC Genomics in Thrombosis and Hemostasis, KU Leuven, Center for Molecular and Vascular Biology
Classification: Uncertain significance for Bernard Soulier syndrome. Review status: criteria provided, single submitter. Criteria: ACMG Guidelines, 2015. Collection method: clinical testing. Allele origin: germline. Affected: yes. Observed: 1 heterozygote.
Comment: Submitted to the GoldVariant database by Kathleen Freson, Center for Molecular and Vascular Biology

PreventionGenetics, part of Exact Sciences
Classification: Uncertain significance for GP1BA-related condition. Last evaluated: 2024-02-27. Review status: no assertion criteria provided. Collection method: clinical testing. Allele origin: germline. Not counted in ClinVar's aggregate classification.
Comment: The GP1BA c.1655T>A variant is predicted to result in the amino acid substitution p.Leu552Gln. To our knowledge, this variant has not been reported in the literature. This variant is reported in 0.0018% of alleles in individuals of European (Non-Finnish) descent in gnomAD. At this time, the clinical significance of this variant is uncertain due to the absence of conclusive functional and genetic evidence.